The following is an entry in ClinVar:

NM_001287491.2(TET3):c.879G>A (p.Val293=)

Gene: TET3 (tet methylcytosine dioxygenase 3; plus strand). Cytogenetic location: 2p13.1.
Variant type: single nucleotide variant.
Coding change: c.879G>A on transcript NM_001287491.2 (MANE Select); coding-DNA position 879, G replaced by A.
Protein change: p.Val293=; no amino-acid change (valine 293 retained).
Molecular consequence: synonymous variant.
Genome position (GRCh38, 1-based): chr2:74,046,796, G>A. VCF-style: chr2-74046796-G-A. GRCh37 (hg19) VCF-style: chr2-74273923-G-A.
Other names: c.600G>A, p.Val200= (NM_001366022.1); c.474G>A, p.Val158= (NM_144993.1).
Identifiers: ClinVar variation 3024667 (VCV003024667.22), dbSNP rs375792236, ClinGen allele CA1718498.
Genomic context (GRCh38, chr2:74,046,796, plus strand): 5'-CTGCGATGGCCCAGAATGCCCTGACTACCTCGAGTGGCTGGAGGGGAAGATCAAGTCTGT[G>A]GTCATGGAAGGAGGGGAGGAGCGGCCCAGGCTCCCAGGGCCTCTGCCTCCTGGTGAGGCC-3'
Protein context (NP_001274420.1, residues 283-303): LEWLEGKIKS[Val293=]VMEGGEERPR

ClinVar aggregate classification (germline): Likely benign (1 of 4 stars; one submission).

Allele frequency attached by ClinVar (database versions not stated): ExAC 0.00044; gnomAD 0.00046; TOPMed 0.00047; ESP Exome Variant Server 0.00048; gnomAD exomes 0.00080.
gnomAD v4.1: 1,210 of 1,613,308 alleles (0.075%); highest among the groups gnomAD compares: Non-Finnish European, 0.099%; no homozygotes.

Submission:

CeGaT Center for Human Genetics Tuebingen
Classification: Likely benign. Last evaluated: 2025-10-01. Review status: criteria provided, single submitter. Criteria: CeGaT Center For Human Genetics Tuebingen Variant Classification Criteria Version 2. Collection method: clinical testing. Allele origin: germline. Affected: yes. Observed: 2 variant alleles.
Comment: TET3: BP4